The following is an entry in ClinVar:

ClinVar aggregate classification (germline): Uncertain significance (1 of 4 stars; one submission).

Submission:

GeneDx
Classification: Uncertain significance. Last evaluated: 2025-04-28. Review status: criteria provided, single submitter. Criteria: GeneDx Variant Classification Process June 2021. Collection method: clinical testing. Allele origin: germline. Affected: yes.
Comment: Not observed at significant frequency in large population cohorts (gnomAD); In silico analysis supports that this missense variant has a deleterious effect on protein structure/function; Has not been previously published as pathogenic or benign to our knowledge

NM_170606.3(KMT2C):c.11929A>G (p.Thr3977Ala)

Gene: KMT2C (lysine methyltransferase 2C; minus strand). Cytogenetic location: 7q36.1.
Variant type: single nucleotide variant.
Coding change: c.11929A>G on transcript NM_170606.3 (MANE Select); coding-DNA position 11929, A replaced by G.
Protein change: p.Thr3977Ala; replaces threonine 3977 with alanine.
Molecular consequence: missense variant.
Genome position (GRCh38, 1-based): chr7:152,155,941, T>C on the plus strand (A>G on the coding strand, the complement: KMT2C is on the minus strand). VCF-style: chr7-152155941-T-C. GRCh37 (hg19) VCF-style: chr7-151853026-T-C.
Other names: short protein forms T3977A.
Identifiers: ClinVar variation 4527290 (VCV004527290.1).